The following is an entry in ClinVar:

ClinVar aggregate classification (germline): Benign/Likely benign. Review status: criteria provided, multiple submitters, no conflicts (2 of 4 stars). 5 submissions from 5 submitters: Benign (1); Likely benign (2). 2 of the submissions do not count toward it. Last evaluated 2026-01-28.

Conditions:
Deficiency of ferroxidase (ACEP). Also called: Deficiency of ceruloplasmin; NEURODEGENERATION WITH BRAIN IRON ACCUMULATION 10; Aceruloplasminemia; Ceruloplasmin deficiency; Familial apoceruloplasmin deficiency; Hereditary ceruloplasmin deficiency. Identifiers: Orphanet 48818, MedGen C0878682, MONDO:0011426, OMIM 604290, HP:0025498.
CP-related disorder. Also called: CP-related condition.

Allele frequency attached by ClinVar (database versions not stated): gnomAD exomes 0.00018 and 0.00045; ExAC 0.00049; 1000 Genomes Project 30x 0.00125; 1000 Genomes Project 0.00140; ESP Exome Variant Server 0.00169; gnomAD 0.00172 and 0.00186; TOPMed 0.00192.
gnomAD v4.1: 540 of 1,614,128 alleles (0.033%); highest among the groups gnomAD compares: African/African-American, 0.58%; 1 homozygote.

Submissions (5):

Labcorp Genetics (formerly Invitae), Labcorp
Classification: Likely benign for Deficiency of ferroxidase. Last evaluated: 2026-01-28. Review status: criteria provided, single submitter. Criteria: Invitae Variant Classification Sherloc (09022015). Collection method: clinical testing. Allele origin: germline.

Mayo Clinic Laboratories, Mayo Clinic
Classification: Benign. Last evaluated: 2025-06-04. Review status: criteria provided, single submitter. Criteria: ACMG Guidelines, 2015. Collection method: clinical testing. Allele origin: germline. Observed: 2 variant alleles.
Comment: BA1

PreventionGenetics, part of Exact Sciences
Classification: Likely benign for CP-related condition. Last evaluated: 2024-10-15. Review status: criteria provided, single submitter. Criteria: ACMG Guidelines, 2015. Collection method: clinical testing. Allele origin: germline.
Comment: This variant is classified as likely benign based on ACMG/AMP sequence variant interpretation guidelines (Richards et al. 2015 PMID: 25741868, with internal and published modifications).

Clinical Genetics DNA and cytogenetics Diagnostics Lab, Erasmus MC, Erasmus Medical Center
Classification: Likely benign. Review status: no assertion criteria provided. Collection method: clinical testing. Allele origin: germline. Affected: yes. Study: VKGL Data-share Consensus. Not counted in ClinVar's aggregate classification.

Genome Diagnostics Laboratory, Amsterdam University Medical Center
Classification: Likely benign. Review status: no assertion criteria provided. Collection method: clinical testing. Allele origin: germline. Affected: yes. Study: VKGL Data-share Consensus. Not counted in ClinVar's aggregate classification.

NM_000096.4(CP):c.1945G>A (p.Ala649Thr)

Gene: CP (ceruloplasmin; minus strand). Cytogenetic location: 3q24.
Variant type: single nucleotide variant.
Coding change: c.1945G>A on transcript NM_000096.4 (MANE Select); coding-DNA position 1945, G replaced by A.
Protein change: p.Ala649Thr; replaces alanine 649 with threonine.
Molecular consequence: missense variant.
Genome position (GRCh38, 1-based): chr3:149,186,652, C>T on the plus strand (G>A on the coding strand, the complement: CP is on the minus strand). VCF-style: chr3-149186652-C-T. GRCh37 (hg19) VCF-style: chr3-148904439-C-T.
Other names: p.Ala649Thr; short protein forms A649T.
Identifiers: ClinVar variation 767292 (VCV000767292.14), dbSNP rs141466225, ClinGen allele CA2660876.
Genomic context (GRCh38, chr3:149,186,652, plus strand): 5'-CTCTCCACAGATATGTGTTTCCTGAAAAGTATATTCCATGTACATCGGCCTCATTTCCGG[C>T]GCTGAATAAGTACCACACGACCGAATCTCCTTTGCACATAGTGAGACCCGGCTGATTCCC-3'
Protein context (NP_000087.2, residues 639-659): GDSVVWYLFS[Ala649Thr]GNEADVHGIY